The following is an entry in ClinVar:

NM_006904.7(PRKDC):c.2744C>T (p.Thr915Ile)

Gene: PRKDC (protein kinase, DNA-activated, catalytic subunit; minus strand). Cytogenetic location: 8q11.21.
Variant type: single nucleotide variant.
Coding change: c.2744C>T on transcript NM_006904.7 (MANE Select); coding-DNA position 2744, C replaced by T.
Protein change: p.Thr915Ile; replaces threonine 915 with isoleucine.
Molecular consequence: missense variant.
Genome position (GRCh38, 1-based): chr8:47,913,938, G>A on the plus strand (C>T on the coding strand, the complement: PRKDC is on the minus strand). VCF-style: chr8-47913938-G-A. GRCh37 (hg19) VCF-style: chr8-48826498-G-A.
Other names: c.2744C>T, p.Thr915Ile (NM_001081640.2); short protein forms T915I.
Identifiers: ClinVar variation 1003138 (VCV001003138.9), dbSNP rs1478677364, ClinGen allele CA371159117.
Genomic context (GRCh38, chr8:47,913,938, plus strand): 5'-GGTGAAATGAAAAATAGAAGTACTTTAGTTTGTCTGTCACTGGCTGTGAGCGCTAATTCT[G>A]TGACTCGAGGCAGGAACACATCCAGGAAAATGACAGGTTTCATCTCTCTAAAGGGCACTG-3'
Protein context (NP_008835.5, residues 905-925): IFLDVFLPRV[Thr915Ile]ELALTASDRQ

ClinVar aggregate classification (germline): Uncertain significance. Review status: criteria provided, multiple submitters, no conflicts (2 of 4 stars). 2 submissions from 2 submitters: Uncertain significance (2). Last evaluated 2021-10-19.

Conditions:
Severe combined immunodeficiency due to DNA-PKcs deficiency. Also called: Immunodeficiency 26 with or without neurologic abnormalities; IMMUNODEFICIENCY 26 WITH NEUROLOGIC ABNORMALITIES. Identifiers: Orphanet 317425, MedGen C4014833, MONDO:0014423, OMIM 615966.

Submissions (2):

Ambry Genetics
Classification: Uncertain significance. Last evaluated: 2021-10-19. Review status: criteria provided, single submitter. Criteria: Ambry Variant Classification Scheme 2023. Collection method: clinical testing. Allele origin: germline.
Comment: The p.T915I variant (also known as c.2744C>T), located in coding exon 24 of the PRKDC gene, results from a C to T substitution at nucleotide position 2744. The threonine at codon 915 is replaced by isoleucine, an amino acid with similar properties. This amino acid position is conserved. In addition, the in silico prediction for this alteration is inconclusive. Since supporting evidence is limited at this time, the clinical significance of this alteration remains unclear.

Labcorp Genetics (formerly Invitae), Labcorp
Classification: Uncertain significance for Severe combined immunodeficiency due to DNA-PKcs deficiency. Last evaluated: 2020-01-15. Review status: criteria provided, single submitter. Criteria: Invitae Variant Classification Sherloc (09022015). Collection method: clinical testing. Allele origin: germline.
Comment: In summary, the available evidence is currently insufficient to determine the role of this variant in disease. Therefore, it has been classified as a Variant of Uncertain Significance. Algorithms developed to predict the effect of missense changes on protein structure and function are either unavailable or do not agree on the potential impact of this missense change (SIFT: "Deleterious"; PolyPhen-2: "Not Available"; Align-GVGD: "Class C0"). This variant has not been reported in the literature in individuals with PRKDC-related conditions. This variant is not present in population databases (ExAC no frequency). This sequence change replaces threonine with isoleucine at codon 915 of the PRKDC protein (p.Thr915Ile). The threonine residue is highly conserved and there is a moderate physicochemical difference between threonine and isoleucine.